The following is an entry in ClinVar:

NM_000433.4(NCF2):c.101A>G (p.Asp34Gly)

Gene: NCF2 (neutrophil cytosolic factor 2; minus strand). Cytogenetic location: 1q25.3.
Variant type: single nucleotide variant.
Coding change: c.101A>G on transcript NM_000433.4 (MANE Select); coding-DNA position 101, A replaced by G.
Protein change: p.Asp34Gly; replaces aspartic acid 34 with glycine.
Molecular consequence: missense variant.
Genome position (GRCh38, 1-based): chr1:183,590,229, T>C on the plus strand (A>G on the coding strand, the complement: NCF2 is on the minus strand). VCF-style: chr1-183590229-T-C. GRCh37 (hg19) VCF-style: chr1-183559364-T-C.
Other names: c.101A>G, p.Asp34Gly (NM_001127651.3, NM_001190789.2, NM_001190794.2 and 1 more transcripts); short protein forms D34G.
Identifiers: ClinVar variation 2082303 (VCV002082303.2), dbSNP rs745752489, ClinGen allele CA1285059.

ClinVar aggregate classification (germline): Uncertain significance. Review status: criteria provided, multiple submitters, no conflicts (2 of 4 stars). 2 submissions from 2 submitters: Uncertain significance (2). Last evaluated 2023-12-18.

Conditions:
Granulomatous disease, chronic, autosomal recessive, cytochrome b-positive, type 2. Also called: CGD, AUTOSOMAL RECESSIVE CYTOCHROME b-POSITIVE, TYPE II; GRANULOMATOUS DISEASE, CHRONIC, DUE TO NCF2 DEFICIENCY; GRANULOMATOUS DISEASE, CHRONIC, AUTOSOMAL RECESSIVE, 2; Chronic granulomatous disease due to deficiency of NCF-2; Chronic Granulomatous Disease, Autosomal Recessive, Cytochrome b-Positive, Type II. Identifiers: Orphanet 379, MedGen C1856245, MONDO:0009310, OMIM 233710.

Allele frequency attached by ClinVar (database versions not stated): gnomAD exomes below 0.00001; ExAC 0.00001; gnomAD 0.00001; TOPMed 0.00001.

Submissions (2):

Blueprint Genetics
Classification: Uncertain significance. Last evaluated: 2023-12-18. Review status: criteria provided, single submitter. Criteria: ACMG Guidelines, 2015. Collection method: clinical testing. Allele origin: germline.

Labcorp Genetics (formerly Invitae), Labcorp
Classification: Uncertain significance for Granulomatous disease, chronic, autosomal recessive, cytochrome b-positive, type 2. Last evaluated: 2022-06-13. Review status: criteria provided, single submitter. Criteria: Invitae Variant Classification Sherloc (09022015). Collection method: clinical testing. Allele origin: germline.
Comment: This sequence change replaces aspartic acid, which is acidic and polar, with glycine, which is neutral and non-polar, at codon 34 of the NCF2 protein (p.Asp34Gly). This variant is present in population databases (rs745752489, gnomAD 0.002%). This variant has not been reported in the literature in individuals affected with NCF2-related conditions. Algorithms developed to predict the effect of missense changes on protein structure and function are either unavailable or do not agree on the potential impact of this missense change (SIFT: "Deleterious"; PolyPhen-2: "Possibly Damaging"; Align-GVGD: "Class C15"). In summary, the available evidence is currently insufficient to determine the role of this variant in disease. Therefore, it has been classified as a Variant of Uncertain Significance.